The following is an entry in ClinVar:

ClinVar aggregate classification (germline): Pathogenic. Review status: criteria provided, single submitter (1 of 4 stars). 3 submissions from 3 submitters: Pathogenic (1). 2 of the submissions do not count toward it. Last evaluated 2025-07-11.

Conditions:
Autosomal recessive nonsyndromic hearing loss 2. Also called: DEAFNESS, AUTOSOMAL RECESSIVE 2; NEUROSENSORY NONSYNDROMIC RECESSIVE DEAFNESS 2. Identifiers: Orphanet 90636, MedGen C1838701, MONDO:0010807, OMIM 600060.
Usher syndrome type 1 (USH1). Also called: RETINITIS PIGMENTOSA AND CONGENITAL DEAFNESS. Identifiers: Orphanet 231169, Orphanet 886, MedGen C1568247, MONDO:0010168, OMIM 276900.
Hearing loss, autosomal recessive. Also called: Deafness, autosomal recessive; Autosomal recessive nonsyndromic deafness; Nonsyndromic Hearing Loss, Recessive; Rare autosomal recessive non-syndromic sensorineural deafness type DFNB. Identifiers: Orphanet 90635, Orphanet 90636, MedGen C1846647, MONDO:0019588, OMIM 607197.

Submissions (3):

Myriad Genetics, Inc.
Classification: Pathogenic for Usher syndrome type 1. Last evaluated: 2025-07-11. Review status: criteria provided, single submitter. Criteria: Myriad Autosomal Dominant, Autosomal Recessive and X-Linked Classification Criteria (2023). Collection method: clinical testing. Allele origin: unknown.
Comment: NM_000260.3(MYO7A):c.2339delG(G780Vfs*10) is expected to be pathogenic in the context of MYO7A-related disorders. This variant is predicted to lead to an abnormal or absent protein product due to the creation of a premature termination codon in MYO7A, a gene where loss-of-function variants are known to be pathogenic. Please note: this variant was assessed in the context of healthy population screening.

National Institute on Deafness and Communication Disorders, National Institutes of Health
Classification: Pathogenic for Autosomal recessive nonsyndromic hearing loss 2. Last evaluated: 2018-07-05. Review status: no assertion criteria provided. Collection method: research. Allele origin: germline. Affected: yes. Observed: 1 homozygote. Segregation with disease observed. Not counted in ClinVar's aggregate classification.

University of Washington Center for Mendelian Genomics, University of Washington
Classification: Likely pathogenic for non-syndromic autosomal recessive hearing loss. Review status: no assertion criteria provided. Collection method: research. Allele origin: inherited. Affected: yes. Not counted in ClinVar's aggregate classification.

Literature cited by the submitters: PubMed 30303587 (cited by University of Washington Center for Mendelian Genomics, University of Washington).

NM_000260.4(MYO7A):c.2339del (p.Gly780fs)

Gene: MYO7A (myosin VIIA; plus strand). Cytogenetic location: 11q13.5.
Variant type: Deletion.
Coding change: c.2339del on transcript NM_000260.4 (MANE Select); coding-DNA position 2339, one base deleted (G; older notation c.2339delG).
Protein change: p.Gly780fs; shifts the reading frame from glycine 780.
Molecular consequence: frameshift variant.
Genome position (GRCh38, 1-based): chr11:77,179,101, G deleted; the last of 4 consecutive G bases (chr11:77,179,098-77,179,101); deleting any one gives the same sequence. VCF-style (leftmost placement, unchanged base first): chr11-77179097-CG-C. GRCh37 (hg19) VCF-style: chr11-76890143-CG-C.
Other names: c.2339del, p.Gly780fs (NM_001127180.2); c.2306del, p.Gly769fs (NM_001369365.1); short protein forms G769fs, G780fs.
Identifiers: ClinVar variation 562093 (VCV000562093.3), dbSNP rs1565402473, ClinGen allele CA658822153.